The following is an entry in ClinVar:

NM_000218.3(KCNQ1):c.1576A>C (p.Lys526Gln)

Gene: KCNQ1 (potassium voltage-gated channel subfamily Q member 1; plus strand). Cytogenetic location: 11p15.5.
Variant type: single nucleotide variant.
Coding change: c.1576A>C on transcript NM_000218.3 (MANE Select); coding-DNA position 1576, A replaced by C.
Protein change: p.Lys526Gln; replaces lysine 526 with glutamine.
Molecular consequence: missense variant.
Genome position (GRCh38, 1-based): chr11:2,768,905, A>C. VCF-style: chr11-2768905-A-C. GRCh37 (hg19) VCF-style: chr11-2790135-A-C.
Other names: c.1480A>C, p.Lys494Gln (NM_001406836.1); c.1306A>C, p.Lys436Gln (NM_001406837.1); c.1036A>C, p.Lys346Gln (NM_001406838.1); c.1195A>C, p.Lys399Gln (NM_181798.2); short protein forms K526Q, K399Q, K346Q, K436Q, K494Q.
Identifiers: ClinVar variation 853542 (VCV000853542.14), dbSNP rs199472792, ClinGen allele CA030978.

ClinVar aggregate classification (germline): Uncertain significance. Review status: criteria provided, multiple submitters, no conflicts (2 of 4 stars). 3 submissions from 3 submitters: Uncertain significance (3). Last evaluated 2023-08-15.

Conditions:
Long QT syndrome 1 (LQT1). Identifiers: Orphanet 101016, Orphanet 768, MedGen C4551647, MONDO:0100316, OMIM 192500, MONDO:0008646.
Long QT syndrome (LQTS). Identifiers: MedGen C0023976, MeSH D008133, MONDO:0002442. Disease mechanism: loss of function. Inheritance: Various modes of inheritance.

gnomAD v4.1: 4 of 1,613,924 alleles (0.00025%); highest among the groups gnomAD compares: South Asian, 0.0044%; no homozygotes.

Submissions (3):

All of Us Research Program, National Institutes of Health
Classification: Uncertain significance for Long QT syndrome. Last evaluated: 2023-08-15. Review status: criteria provided, single submitter. Criteria: ACMG Guidelines, 2015. Collection method: clinical testing. Allele origin: germline. Inheritance: Autosomal dominant inheritance. Observed: 1 variant allele, 1 heterozygote.
Comment: This missense variant replaces lysine with glutamine at codon 526 of the KCNQ1 protein. Computational prediction suggests that this variant may have deleterious impact on protein structure and function (internally defined REVEL score threshold >= 0.7, PMID: 27666373). To our knowledge, functional studies have not been reported for this variant. This variant has not been reported in individuals affected with KCNQ1-related disorders in the literature. This variant has been identified in 4/251388 chromosomes in the general population by the Genome Aggregation Database (gnomAD). The available evidence is insufficient to determine the role of this variant in disease conclusively. Therefore, this variant is classified as a Variant of Uncertain Significance.

This study involves interpretation of variants in research participants for the purpose of population health screening. Participant phenotype was not available at the time of variant classification. Additional details can be found in publication PMID: 35346344, PMCID: PMC8962531

Labcorp Genetics (formerly Invitae), Labcorp
Classification: Uncertain significance for Long QT syndrome. Last evaluated: 2022-03-08. Review status: criteria provided, single submitter. Criteria: Invitae Variant Classification Sherloc (09022015). Collection method: clinical testing. Allele origin: germline.
Comment: ClinVar contains an entry for this variant (Variation ID: 853542). This variant has not been reported in the literature in individuals affected with KCNQ1-related conditions. This variant is present in population databases (rs199472792, gnomAD 0.01%). This sequence change replaces lysine, which is basic and polar, with glutamine, which is neutral and polar, at codon 526 of the KCNQ1 protein (p.Lys526Gln). Algorithms developed to predict the effect of missense changes on protein structure and function are either unavailable or do not agree on the potential impact of this missense change (SIFT: "Deleterious"; PolyPhen-2: "Probably Damaging"; Align-GVGD: "Class C0"). In summary, the available evidence is currently insufficient to determine the role of this variant in disease. Therefore, it has been classified as a Variant of Uncertain Significance.

Illumina Laboratory Services, Illumina
Classification: Uncertain significance for Long QT syndrome 1. Last evaluated: 2020-01-30. Review status: criteria provided, single submitter. Criteria: ICSLVariantClassificationCriteria RUGD 01 April 2020. Collection method: clinical testing. Allele origin: unknown.
Comment: The KCNQ1 c.1576A>C (p.Lys562Gln) variant is a missense variant. A literature search was performed for the gene, cDNA change, and amino acid change. No publications were found based on this search. The p.Lys562Gln variant is reported at a frequency of 0.000131 in the South Asian population of the Genome Aggregation Database which may be consistent with reduced penetrance. Based on the limited evidence, the p.Lys526Gln variant is classified as a variant of unknown significance for long QT Syndrome.